The following is an entry in ClinVar:

ClinVar aggregate classification (germline): Benign. Review status: criteria provided, multiple submitters, no conflicts (2 of 4 stars). 8 submissions from 8 submitters: Benign (6). 2 of the submissions do not count toward it. Last evaluated 2026-02-02.

Conditions:
Left ventricular noncompaction 8 (LVNC8). Identifiers: Orphanet 154, Orphanet 54260, MedGen C3809288, MONDO:0014152, OMIM 615373.

Allele frequency attached by ClinVar (database versions not stated): 1000 Genomes Project 0.00579; ESP Exome Variant Server 0.00579; TOPMed 0.00583; gnomAD exomes 0.00123; ExAC 0.00179; gnomAD 0.00499 and 0.00537; 1000 Genomes Project 30x 0.00547.
gnomAD v4.1: 1,543 of 1,613,322 alleles (0.096%); highest among the groups gnomAD compares: African/African-American, 1.8%; 19 homozygotes.

Submissions (8):

Labcorp Genetics (formerly Invitae), Labcorp
Classification: Benign for Left ventricular noncompaction 8. Last evaluated: 2026-02-02. Review status: criteria provided, single submitter. Criteria: Invitae Variant Classification Sherloc (09022015). Collection method: clinical testing. Allele origin: germline.

ARUP Laboratories, Molecular Genetics and Genomics, ARUP Laboratories
Classification: Benign. Last evaluated: 2025-05-20. Review status: criteria provided, single submitter. Criteria: ARUP Molecular Germline Variant Investigation Process 2024. Collection method: clinical testing. Allele origin: germline.

Mayo Clinic Laboratories, Mayo Clinic
Classification: Benign. Last evaluated: 2025-04-07. Review status: criteria provided, single submitter. Criteria: ACMG Guidelines, 2015. Collection method: clinical testing. Allele origin: germline. Observed: 2 variant alleles.
Comment: BS1, BS2, BP4, BP7

Women's Health and Genetics/Laboratory Corporation of America, LabCorp
Classification: Benign. Last evaluated: 2023-12-03. Review status: criteria provided, single submitter. Criteria: LabCorp Variant Classification Summary - May 2015. Collection method: clinical testing. Allele origin: germline.

GeneDx
Classification: Benign. Last evaluated: 2016-10-06. Review status: criteria provided, single submitter. Criteria: GeneDx Variant Classification (06012015). Collection method: clinical testing. Allele origin: germline. Affected: yes.
Comment: This variant is considered likely benign or benign based on one or more of the following criteria: it is a conservative change, it occurs at a poorly conserved position in the protein, it is predicted to be benign by multiple in silico algorithms, and/or has population frequency not consistent with disease.

Laboratory for Molecular Medicine, Mass General Brigham Personalized Medicine
Classification: Benign. Last evaluated: 2014-11-24. Review status: criteria provided, single submitter. Criteria: LMM Criteria. Collection method: clinical testing. Allele origin: germline. Observed: 3 variant alleles.
Comment: Asp1123Asp in exon 15 of PRDM16: This variant is not expected to have clinical s ignificance because it does not alter an amino acid residue and is not located w ithin the splice consensus sequence. It has been identified in 1.7% (74/4392) of African American chromosomes from a broad population by the NHLBI Exome Sequenc ing Project (dbSNP rs139716539).

Clinical Genetics DNA and cytogenetics Diagnostics Lab, Erasmus MC, Erasmus Medical Center
Classification: Benign. Review status: no assertion criteria provided. Collection method: clinical testing. Allele origin: germline. Affected: yes. Study: VKGL Data-share Consensus. Not counted in ClinVar's aggregate classification.

Clinical Genetics, Academic Medical Center
Classification: Benign. Review status: no assertion criteria provided. Collection method: clinical testing. Allele origin: germline. Affected: yes. Study: VKGL Data-share Consensus. Not counted in ClinVar's aggregate classification.

NM_022114.4(PRDM16):c.3369C>T (p.Asp1123=)

Gene: PRDM16 (PR/SET domain 16; plus strand). Cytogenetic location: 1p36.32.
Variant type: single nucleotide variant.
Coding change: c.3369C>T on transcript NM_022114.4 (MANE Select); coding-DNA position 3369, C replaced by T.
Protein change: p.Asp1123=; no amino-acid change (aspartic acid 1123 retained).
Molecular consequence: synonymous variant.
Genome position (GRCh38, 1-based): chr1:3,430,956, C>T. VCF-style: chr1-3430956-C-T. GRCh37 (hg19) VCF-style: chr1-3347520-C-T.
Other names: p.Asp1123=; c.3369C>T, p.Asp1123= (NM_199454.3).
Identifiers: ClinVar variation 227036 (VCV000227036.30), dbSNP rs370420046, ClinGen allele CA544852.